The following is an entry in ClinVar:

ClinVar aggregate classification (germline): Uncertain significance (1 of 4 stars; one submission).

Submission:

Ambry Genetics
Classification: Uncertain significance. Last evaluated: 2026-05-24. Review status: criteria provided, single submitter. Criteria: Ambry Variant Classification Scheme 2023. Collection method: clinical testing. Allele origin: germline.
Comment: The p.I851N variant (also known as c.2552T>A), located in coding exon 25 of the NEBL gene, results from a T to A substitution at nucleotide position 2552. The isoleucine at codon 851 is replaced by asparagine, an amino acid with dissimilar properties. This amino acid position is conserved. In addition, this alteration is predicted to be tolerated by in silico analysis. Based on the available evidence, the clinical significance of this variant remains unclear.

NM_006393.3(NEBL):c.2552T>A (p.Ile851Asn)

Gene: NEBL (nebulette; minus strand). Cytogenetic location: 10p12.31.
Variant type: single nucleotide variant.
Coding change: c.2552T>A on transcript NM_006393.3 (MANE Select); coding-DNA position 2552, T replaced by A.
Protein change: p.Ile851Asn; replaces isoleucine 851 with asparagine.
Molecular consequence: missense variant. On other transcripts: intron variant (8).
Genome position (GRCh38, 1-based): chr10:20,809,865, A>T on the plus strand (T>A on the coding strand, the complement: NEBL is on the minus strand). VCF-style: chr10-20809865-A-T. GRCh37 (hg19) VCF-style: chr10-21098794-A-T.
Other names: c.472+2904T>A (NM_001377324.1); c.463+2904T>A (NM_001377325.1); c.481+2904T>A (NM_001377323.1); c.421+2904T>A (NM_001377326.1, NM_001377327.1, NM_001377328.1); c.529+2904T>A (NM_213569.2, NM_001173484.2); c.563T>A, p.Ile188Asn (NM_001377322.1); short protein forms I188N, I851N.
Identifiers: ClinVar variation 4860803 (VCV004860803.1).
Genomic context (GRCh38, chr10:20,809,865, plus strand): 5'-CCAGAGAGCATATGGAGACTTCTAGACTGAATATTGTCTTCCAGGGGATCAAGGTCGAAG[A>T]TGGAGCCAGGATCTGTGCGCCAAACTTTGAGGTCTTTTGCCAAAAGGAAGAAATCAACAC-3'
Protein context (NP_006384.1, residues 841-861): LKVWRTDPGS[Ile851Asn]FDLDPLEDNI